The following is an entry in ClinVar:

NM_006361.6(HOXB13):c.731A>T (p.Asp244Val)

Gene: HOXB13 (homeobox B13; minus strand). Cytogenetic location: 17q21.32.
Variant type: single nucleotide variant.
Coding change: c.731A>T on transcript NM_006361.6 (MANE Select); coding-DNA position 731, A replaced by T.
Protein change: p.Asp244Val; replaces aspartic acid 244 with valine.
Molecular consequence: missense variant.
Genome position (GRCh38, 1-based): chr17:48,726,914, T>A on the plus strand (A>T on the coding strand, the complement: HOXB13 is on the minus strand). VCF-style: chr17-48726914-T-A. GRCh37 (hg19) VCF-style: chr17-46804276-T-A.
Other names: short protein forms D244V.
Identifiers: ClinVar variation 826964 (VCV000826964.11), dbSNP rs1597932732, ClinGen allele CA400106223.

ClinVar aggregate classification (germline): Uncertain significance. Review status: criteria provided, multiple submitters, no conflicts (2 of 4 stars). 2 submissions from 2 submitters: Uncertain significance (2). Last evaluated 2025-07-28.

Conditions:
Hereditary cancer-predisposing syndrome. Also called: Neoplastic Syndromes, Hereditary; Tumor predisposition; Hereditary neoplastic syndrome; Hereditary Cancer Syndrome. Identifiers: Orphanet 140162, MedGen C0027672, MeSH D009386, MONDO:0015356.

Allele frequency attached by ClinVar (database versions not stated): gnomAD exomes 0.00001.
gnomAD v4.1: 8 of 1,614,056 alleles (0.0005%); highest among the groups gnomAD compares: Non-Finnish European, 0.00068%; no homozygotes.

Submissions (2):

Ambry Genetics
Classification: Uncertain significance for Hereditary cancer-predisposing syndrome. Last evaluated: 2025-07-28. Review status: criteria provided, single submitter. Criteria: Ambry Variant Classification Scheme 2023. Collection method: clinical testing. Allele origin: germline.
Comment: The p.D244V variant (also known as c.731A>T), located in coding exon 2 of the HOXB13 gene, results from an A to T substitution at nucleotide position 731. The aspartic acid at codon 244 is replaced by valine, an amino acid with highly dissimilar properties. This amino acid position is highly conserved in available vertebrate species. In addition, this alteration is predicted to be deleterious by in silico analysis. Based on the available evidence, the clinical significance of this variant remains unclear.

Labcorp Genetics (formerly Invitae), Labcorp
Classification: Uncertain significance. Last evaluated: 2025-07-15. Review status: criteria provided, single submitter. Criteria: Invitae Variant Classification Sherloc (09022015). Collection method: clinical testing. Allele origin: germline.
Comment: This sequence change replaces aspartic acid, which is acidic and polar, with valine, which is neutral and non-polar, at codon 244 of the HOXB13 protein (p.Asp244Val). This variant is not present in population databases (gnomAD no frequency). This variant has not been reported in the literature in individuals affected with HOXB13-related conditions. ClinVar contains an entry for this variant (Variation ID: 826964). Invitae Evidence Modeling of protein sequence and biophysical properties (such as structural, functional, and spatial information, amino acid conservation, physicochemical variation, residue mobility, and thermodynamic stability) indicates that this missense variant is expected to disrupt HOXB13 protein function with a positive predictive value of 80%. In summary, the available evidence is currently insufficient to determine the role of this variant in disease. Therefore, it has been classified as a Variant of Uncertain Significance.